The following is an entry in ClinVar:

NM_002397.5(MEF2C):c.860C>T (p.Ser287Leu)

Gene: MEF2C (myocyte enhancer factor 2C; minus strand). Cytogenetic location: 5q14.3.
Variant type: single nucleotide variant.
Coding change: c.860C>T on transcript NM_002397.5 (MANE Select); coding-DNA position 860, C replaced by T.
Protein change: p.Ser287Leu; replaces serine 287 with leucine.
Molecular consequence: missense variant.
Genome position (GRCh38, 1-based): chr5:88,729,322, G>A on the plus strand (C>T on the coding strand, the complement: MEF2C is on the minus strand). VCF-style: chr5-88729322-G-A. GRCh37 (hg19) VCF-style: chr5-88025139-G-A.
Other names: c.830C>T, p.Ser277Leu (NM_001131005.2, NM_001364343.2, NM_001364352.2); c.890C>T, p.Ser297Leu (NM_001193347.1, NM_001364338.2); c.692C>T, p.Ser231Leu (NM_001193348.1); c.716C>T, p.Ser239Leu (NM_001193349.3, NM_001364332.2, NM_001364344.2 and 2 more transcripts); c.860C>T, p.Ser287Leu (NM_001193350.2, NM_001363581.2, NM_001364329.2 and 9 more transcripts); c.836C>T, p.Ser279Leu (NM_001308002.3, NM_001364333.2, NM_001364339.2 and 6 more transcripts); c.482C>T, p.Ser161Leu (NM_001364353.2, NM_001364356.2); c.410C>T, p.Ser137Leu (NM_001364357.2); short protein forms S277L, S287L, S231L, S279L, S297L, S137L, S161L, S239L.
Identifiers: ClinVar variation 438583 (VCV000438583.11), dbSNP rs777826971, ClinGen allele CA3337223.

ClinVar aggregate classification (germline): Uncertain significance. Review status: criteria provided, multiple submitters, no conflicts (2 of 4 stars). 2 submissions from 2 submitters: Uncertain significance (2). Last evaluated 2019-10-30.

Conditions:
Neurodevelopmental disorder with hypotonia, stereotypic hand movements, and impaired language. Also called: Intellectual disability, autosomal dominant 20. Identifiers: Orphanet 228384, Orphanet 664410, MedGen C3150700, MONDO:0013266, OMIM 613443.

Allele frequency attached by ClinVar (database versions not stated): TOPMed below 0.00001; ExAC 0.00001; gnomAD exomes 0.00001.
gnomAD v4.1: 3 of 1,611,694 alleles (0.00019%); highest among the groups gnomAD compares: Non-Finnish European, 0.00025%; no homozygotes.

Submissions (2):

Labcorp Genetics (formerly Invitae), Labcorp
Classification: Uncertain significance for Neurodevelopmental disorder with hypotonia, stereotypic hand movements, and impaired language. Last evaluated: 2019-10-30. Review status: criteria provided, single submitter. Criteria: Invitae Variant Classification Sherloc (09022015). Collection method: clinical testing. Allele origin: germline.
Comment: This sequence change replaces serine with leucine at codon 287 of the MEF2C protein (p.Ser287Leu). The serine residue is highly conserved and there is a large physicochemical difference between serine and leucine. This variant is present in population databases (rs777826971, ExAC 0.002%). This variant has been observed in an individual with polymicrogyria, microcephaly, and tetraparesis (PMID: 29706646). It is also known as c.890C>T (p.Ser297Leu) in the literature. ClinVar contains an entry for this variant (Variation ID: 438583). Algorithms developed to predict the effect of missense changes on protein structure and function are either unavailable or do not agree on the potential impact of this missense change (SIFT: "Deleterious"; PolyPhen-2: "Benign"; Align-GVGD: "Class C0"). In summary, the available evidence is currently insufficient to determine the role of this variant in disease. Therefore, it has been classified as a Variant of Uncertain Significance.

Lupski Lab, Baylor-Hopkins CMG, Baylor College of Medicine
Classification: Uncertain significance for Neurodevelopmental disorder with hypotonia, stereotypic hand movements, and impaired language. Last evaluated: 2017-09-01. Review status: criteria provided, single submitter. Criteria: Wiszniewski et al. (Eur J Hum Genet. 2018). Collection method: research. Allele origin: de novo. Inheritance: Autosomal dominant inheritance. Affected: yes. Observed: 1 variant allele.

Literature cited by the submitters: PubMed 29706646 (cited by Labcorp Genetics (formerly Invitae), Labcorp).